The following is an entry in ClinVar:

NM_130837.3(OPA1):c.*228A>G

Gene: OPA1 (OPA1 mitochondrial dynamin like GTPase; plus strand). Cytogenetic location: 3q29.
Variant type: single nucleotide variant.
Coding change: c.*228A>G on transcript NM_130837.3 (MANE Select); 228 bases downstream of the stop codon, A replaced by G.
Molecular consequence: 3 prime UTR variant.
Genome position (GRCh38, 1-based): chr3:193,694,828, A>G. VCF-style: chr3-193694828-A-G. GRCh37 (hg19) VCF-style: chr3-193412617-A-G.
Other names: c.*228A>G (NM_001354663.2, NM_001354664.2, NM_015560.3 and 6 more transcripts).
Identifiers: ClinVar variation 902538 (VCV000902538.4), dbSNP rs577816325, ClinGen allele CA90522107.

ClinVar aggregate classification (germline): Benign (1 of 4 stars; one submission).

Conditions:
Autosomal dominant optic atrophy classic form (OPA1). Also called: Optic Atrophy Type 1; KJER-TYPE OPTIC ATROPHY; OPTIC ATROPHY, JUVENILE. Identifiers: Orphanet 98673, MedGen C0338508, MONDO:0008134, OMIM 165500.

Allele frequency attached by ClinVar (database versions not stated): gnomAD 0.00001 and 0.00003; TOPMed 0.00002; 1000 Genomes Project 0.00040; 1000 Genomes Project 30x 0.00047.
gnomAD v4.1: 4 of 152,346 alleles (0.0026%); highest among the groups gnomAD compares: East Asian, 0.077%; no homozygotes.

Submission:

Illumina Laboratory Services, Illumina
Classification: Benign for Autosomal dominant optic atrophy classic form. Last evaluated: 2018-01-13. Review status: criteria provided, single submitter. Criteria: ICSL Variant Classification Criteria 13 December 2019. Collection method: clinical testing. Allele origin: germline.
Comment: This variant was observed in the ICSL laboratory as part of a predisposition screen in an ostensibly healthy population. It had not been previously curated by ICSL or reported in the Human Gene Mutation Database (HGMD: prior to June 1st, 2018), and was therefore a candidate for classification through an automated scoring system. Utilizing variant allele frequency, disease prevalence and penetrance estimates, and inheritance mode, an automated score was calculated to assess if this variant is too frequent to cause the disease. Based on the score and internal cut-off values, a variant classified as benign is not then subjected to further curation. The score for this variant resulted in a classification of benign for this disease.